The following is an entry in ClinVar:

NM_144991.3(TSPEAR):c.730C>T (p.Arg244Trp)

Gene: TSPEAR (thrombospondin type laminin G domain and EAR repeats; minus strand). Cytogenetic location: 21q22.3.
Variant type: single nucleotide variant.
Coding change: c.730C>T on transcript NM_144991.3 (MANE Select); coding-DNA position 730, C replaced by T.
Protein change: p.Arg244Trp; replaces arginine 244 with tryptophan.
Molecular consequence: missense variant.
Genome position (GRCh38, 1-based): chr21:44,529,858, G>A on the plus strand (C>T on the coding strand, the complement: TSPEAR is on the minus strand). VCF-style: chr21-44529858-G-A. GRCh37 (hg19) VCF-style: chr21-45949741-G-A.
Other names: c.526C>T, p.Arg176Trp (NM_001272037.2); short protein forms R176W, R244W.
Identifiers: ClinVar variation 1683953 (VCV001683953.3), dbSNP rs372173836, ClinGen allele CA10056872.

ClinVar aggregate classification (germline): Uncertain significance. Review status: criteria provided, multiple submitters, no conflicts (2 of 4 stars). 2 submissions from 2 submitters: Uncertain significance (2). Last evaluated 2022-11-01.

Allele frequency attached by ClinVar (database versions not stated): TOPMed 0.00009; gnomAD 0.00006; ESP Exome Variant Server 0.00015.
gnomAD v4.1: 24 of 1,613,690 alleles (0.0015%); highest among the groups gnomAD compares: African/African-American, 0.023%; no homozygotes.

Submissions (2):

Women's Health and Genetics/Laboratory Corporation of America, LabCorp
Classification: Uncertain significance. Last evaluated: 2022-11-01. Review status: criteria provided, single submitter. Criteria: LabCorp Variant Classification Summary - May 2015. Collection method: clinical testing. Allele origin: germline.
Comment: Variant summary: C21orf29 (also known under gene name TSPEAR) c.730C>T (p.Arg244Trp) results in a non-conservative amino acid change in the encoded protein sequence. Three of five in-silico tools predict a benign effect of the variant on protein function. The variant allele was found at a frequency of 2.8e-05 in 282154 control chromosomes (gnomAD). The available data on variant occurrences in the general population are insufficient to allow any conclusion about variant significance. To our knowledge, no occurrence of c.730C>T in individuals affected with Ectodermal Dysplasia 14, Hair/tooth Type With Or Without Hypohidrosis and no experimental evidence demonstrating its impact on protein function have been reported. One ClinVar submitter has assessed the variant since 2014: the variant was classified as uncertain significance. Based on the evidence outlined above, the variant was classified as uncertain significance.

GeneDx
Classification: Uncertain significance. Last evaluated: 2022-05-03. Review status: criteria provided, single submitter. Criteria: GeneDx Variant Classification Process June 2021. Collection method: clinical testing. Allele origin: germline. Affected: yes.
Comment: In silico analysis supports that this missense variant does not alter protein structure/function; Has not been previously published as pathogenic or benign to our knowledge